The following is an entry in ClinVar:

ClinVar aggregate classification (germline): Uncertain significance (1 of 4 stars; one submission).

Submission:

Ambry Genetics
Classification: Uncertain significance. Last evaluated: 2025-06-20. Review status: criteria provided, single submitter. Criteria: Ambry Variant Classification Scheme 2023. Collection method: clinical testing. Allele origin: germline.
Comment: The p.L533S variant (also known as c.1598T>C), located in coding exon 8 of the RNF43 gene, results from a T to C substitution at nucleotide position 1598. The leucine at codon 533 is replaced by serine, an amino acid with dissimilar properties. This amino acid position is conserved. In addition, this alteration is predicted to be tolerated by in silico analysis. Based on the available evidence, the clinical significance of this variant remains unclear.

NM_017763.6(RNF43):c.1598T>C (p.Leu533Ser)

Gene: RNF43 (ring finger protein 43; minus strand). Cytogenetic location: 17q22.
Variant type: single nucleotide variant.
Coding change: c.1598T>C on transcript NM_017763.6 (MANE Select); coding-DNA position 1598, T replaced by C.
Protein change: p.Leu533Ser; replaces leucine 533 with serine.
Molecular consequence: missense variant.
Genome position (GRCh38, 1-based): chr17:58,358,178, A>G on the plus strand (T>C on the coding strand, the complement: RNF43 is on the minus strand). VCF-style: chr17-58358178-A-G. GRCh37 (hg19) VCF-style: chr17-56435539-A-G.
Other names: c.1598T>C, p.Leu533Ser (NM_001305544.3, NM_001438820.1, NM_001438821.1 and 1 more transcripts); c.1217T>C, p.Leu406Ser (NM_001305545.2, NM_001437987.1); short protein forms L533S, L406S.
Identifiers: ClinVar variation 4155727 (VCV004155727.1).
Genomic context (GRCh38, chr17:58,358,178, plus strand): 5'-TGGCGGTGGTAGTGGACATGGCTGGAAACCTGGGTTTCCCCTGTGGGCACCACCGAGTCC[A>G]AGGAACGAGGCCGAGAGGTCACACTAGGCTGCATGTCCACTCGCTGGGGATCCCCTTTAG-3'
Protein context (NP_060233.3, residues 523-543): QPSVTSRPRS[Leu533Ser]DSVVPTGETQ